The following is an entry in ClinVar:

NM_004247.4(EFTUD2):c.1963G>T (p.Val655Leu)

Gene: EFTUD2 (elongation factor Tu GTP binding domain containing 2; minus strand). Cytogenetic location: 17q21.31.
Variant type: single nucleotide variant.
Coding change: c.1963G>T on transcript NM_004247.4 (MANE Select); coding-DNA position 1963, G replaced by T.
Protein change: p.Val655Leu; replaces valine 655 with leucine.
Molecular consequence: missense variant.
Genome position (GRCh38, 1-based): chr17:44,857,157, C>A on the plus strand (G>T on the coding strand, the complement: EFTUD2 is on the minus strand). VCF-style: chr17-44857157-C-A. GRCh37 (hg19) VCF-style: chr17-42934525-C-A.
Other names: c.1858G>T, p.Val620Leu (NM_001142605.2); c.1963G>T, p.Val655Leu (NM_001258353.2); c.1933G>T, p.Val645Leu (NM_001258354.2); short protein forms V620L, V645L, V655L.
Identifiers: ClinVar variation 1306978 (VCV001306978.2), dbSNP rs760199934, ClinGen allele CA399844971.

ClinVar aggregate classification (germline): Uncertain significance (1 of 4 stars; one submission).

Allele frequency attached by ClinVar (database versions not stated): gnomAD exomes below 0.00001.
gnomAD v4.1: 1 of 1,613,714 alleles (0.000062%); highest among the groups gnomAD compares: South Asian, 0.0011%; no homozygotes.

Submission:

GeneDx
Classification: Uncertain significance. Last evaluated: 2019-07-08. Review status: criteria provided, single submitter. Criteria: GeneDx Variant Classification Process June 2021. Collection method: clinical testing. Allele origin: germline. Affected: yes.
Comment: Not observed in large population cohorts (Lek et al., 2016); In silico analysis, which includes protein predictors and evolutionary conservation, supports a deleterious effect. However, in silico splice predictors are inconclusive as to whether the variant alters gene splicing. In the absence of RNA/functional studies, the actual effect of this sequence change is unknown; Has not been previously published as pathogenic or benign to our knowledge